The following is an entry in ClinVar:

NM_015910.7(WDPCP):c.968G>A (p.Arg323Gln)

Gene: WDPCP (WD repeat containing planar cell polarity effector; minus strand). Cytogenetic location: 2p15.
Variant type: single nucleotide variant.
Coding change: c.968G>A on transcript NM_015910.7 (MANE Select); coding-DNA position 968, G replaced by A.
Protein change: p.Arg323Gln; replaces arginine 323 with glutamine.
Molecular consequence: missense variant. On other transcripts: non-coding transcript variant (3).
Genome position (GRCh38, 1-based): chr2:63,404,515, C>T on the plus strand (G>A on the coding strand, the complement: WDPCP is on the minus strand). VCF-style: chr2-63404515-C-T. GRCh37 (hg19) VCF-style: chr2-63631650-C-T.
Other names: c.491G>A, p.Arg164Gln (NM_001042692.3); c.896G>A, p.Arg299Gln (NM_001354044.2); c.968G>A, p.Arg323Gln (NM_001354045.2); short protein forms R164Q, R299Q, R323Q.
Identifiers: ClinVar variation 981527 (VCV000981527.4), dbSNP rs991936622, ClinGen allele CA49233686.

ClinVar aggregate classification (germline): Uncertain significance. Review status: criteria provided, multiple submitters, no conflicts (2 of 4 stars). 3 submissions from 3 submitters: Uncertain significance (3). Last evaluated 2025-04-24.

Conditions:
Inborn genetic diseases. Identifiers: MedGen C0950123, MeSH D030342.
Bardet-Biedl syndrome (BBS). Identifiers: Orphanet 110, MedGen C0752166, MONDO:0015229.
Bardet-Biedl syndrome 15 (BBS15). Identifiers: Orphanet 110, MedGen C3150127, MONDO:0014443, OMIM 615992.

Allele frequency attached by ClinVar (database versions not stated): gnomAD 0.00001 and 0.00002; gnomAD exomes 0.00001 and 0.00002; TOPMed 0.00002.
gnomAD v4.1: 29 of 1,613,636 alleles (0.0018%); highest among the groups gnomAD compares: Non-Finnish European, 0.0024%; no homozygotes.

Submissions (3):

Ambry Genetics
Classification: Uncertain significance for Inborn genetic diseases. Last evaluated: 2025-04-24. Review status: criteria provided, single submitter. Criteria: Ambry Variant Classification Scheme 2023. Collection method: clinical testing. Allele origin: germline.

Labcorp Genetics (formerly Invitae), Labcorp
Classification: Uncertain significance for Bardet-Biedl syndrome. Last evaluated: 2022-03-04. Review status: criteria provided, single submitter. Criteria: Invitae Variant Classification Sherloc (09022015). Collection method: clinical testing. Allele origin: germline.
Comment: This sequence change replaces arginine, which is basic and polar, with glutamine, which is neutral and polar, at codon 323 of the WDPCP protein (p.Arg323Gln). This variant is present in population databases (no rsID available, gnomAD 0.003%). This variant has not been reported in the literature in individuals affected with WDPCP-related conditions. ClinVar contains an entry for this variant (Variation ID: 981527). Algorithms developed to predict the effect of missense changes on protein structure and function output the following: SIFT: "Tolerated"; PolyPhen-2: "Benign"; Align-GVGD: "Class C0". The glutamine amino acid residue is found in multiple mammalian species, which suggests that this missense change does not adversely affect protein function. Algorithms developed to predict the effect of sequence changes on RNA splicing suggest that this variant may create or strengthen a splice site. In summary, the available evidence is currently insufficient to determine the role of this variant in disease. Therefore, it has been classified as a Variant of Uncertain Significance.

Johns Hopkins Genomics, Johns Hopkins University
Classification: Uncertain significance for Bardet-Biedl syndrome 15. Last evaluated: 2020-09-16. Review status: criteria provided, single submitter. Criteria: ACMG Guidelines, 2015. Collection method: clinical testing. Allele origin: germline.
Comment: This WDPCP variant (rs991936622) is rare (<0.1%) in a large population dataset (gnomAD: 3/280270 total alleles; 0.001%; no homozygotes) and has not been reported in ClinVar nor the literature, to our knowledge. Three bioinformatic tools queried predict that this substitution would be tolerated, and the arginine residue at this position is evolutionarily conserved across some species assessed. Due to insufficient evidence, we consider the clinical significance of c.968G>A to be uncertain at this time.